The following is an entry in ClinVar:

NM_000059.4(BRCA2):c.2294A>G (p.Asn765Ser)

Gene: BRCA2 (BRCA2 DNA repair associated; plus strand). Cytogenetic location: 13q13.1.
Variant type: single nucleotide variant.
Coding change: c.2294A>G on transcript NM_000059.4 (MANE Select); coding-DNA position 2294, A replaced by G.
Protein change: p.Asn765Ser; replaces asparagine 765 with serine.
Molecular consequence: missense variant. On other transcripts: non-coding transcript variant (1), intron variant (2).
Genome position (GRCh38, 1-based): chr13:32,336,649, A>G. VCF-style: chr13-32336649-A-G. GRCh37 (hg19) VCF-style: chr13-32910786-A-G.
Other names: c.2294A>G, p.Asn765Ser (NM_001406719.1, NM_001406720.1); c.1909+3262A>G (NM_001406721.1); c.424+5619A>G (NM_001406722.1); short protein forms N765S.
Identifiers: ClinVar variation 2586263 (VCV002586263.2), dbSNP rs2137485101, ClinGen allele CA387771255.

ClinVar aggregate classification (germline): Uncertain significance (1 of 4 stars; one submission).

Conditions:
Hereditary cancer-predisposing syndrome. Also called: Hereditary neoplastic syndrome; Tumor predisposition; Hereditary Cancer Syndrome; Neoplastic Syndromes, Hereditary. Identifiers: Orphanet 140162, MedGen C0027672, MeSH D009386, MONDO:0015356.

Submission:

Ambry Genetics
Classification: Uncertain significance for Hereditary cancer-predisposing syndrome. Last evaluated: 2023-06-29. Review status: criteria provided, single submitter. Criteria: Ambry Variant Classification Scheme 2023. Collection method: clinical testing. Allele origin: germline.
Comment: The p.N765S variant (also known as c.2294A>G), located in coding exon 10 of the BRCA2 gene, results from an A to G substitution at nucleotide position 2294. The asparagine at codon 765 is replaced by serine, an amino acid with highly similar properties. This amino acid position is not well conserved in available vertebrate species. In addition, this alteration is predicted to be tolerated by in silico analysis. Since supporting evidence is limited at this time, the clinical significance of this alteration remains unclear.